The following is an entry in ClinVar:

NM_001142800.2(EYS):c.8150dup (p.Thr2718fs)

Gene: EYS (EGF-like photoreceptor maintenance factor; minus strand). Cytogenetic location: 6q12.
Variant type: Duplication.
Coding change: c.8150dup on transcript NM_001142800.2 (MANE Select); coding-DNA position 8150, one base duplicated (A; older notation c.8150dupA).
Protein change: p.Thr2718fs; shifts the reading frame from threonine 2718.
Molecular consequence: frameshift variant.
Genome position (GRCh38, 1-based): chr6:63,726,602, T duplicated on the plus strand (A on the coding strand, the reverse complement: EYS is on the minus strand); the first of 6 consecutive T bases (chr6:63,726,602-63,726,607); duplicating any one gives the same sequence. VCF-style (leftmost placement, unchanged base first): chr6-63726601-C-CT. GRCh37 (hg19) VCF-style: chr6-64436494-C-CT.
Other names: c.8213dup, p.Thr2739fs (NM_001292009.2); short protein forms T2718fs, T2739fs.
Identifiers: ClinVar variation 2675327 (VCV002675327.2), dbSNP rs1251637752, ClinGen allele CA2695198252.
Genomic context (GRCh38, chr6:63,726,601, plus strand): 5'-TGCAGCATAAAATAGGATACCATCTGCAGCGAGAGGCTGAAACTGCAATTGAATATGTGT[C>CT]TTTTTTCGAACATGAAAGGAAGCAAAAGACATCCAGGATAACTCATTGCTTCTGAAAGAT-3'

ClinVar aggregate classification (germline): Pathogenic/Likely pathogenic. Review status: criteria provided, multiple submitters, no conflicts (2 of 4 stars). 2 submissions from 2 submitters: Pathogenic (1); Likely pathogenic (1). Last evaluated 2024-10-18.

Conditions:
Retinitis pigmentosa 25 (RP25). Identifiers: Orphanet 791, MedGen C1864446, MONDO:0011272, OMIM 602772.

Submissions (2):

3billion
Classification: Pathogenic for Retinitis pigmentosa 25. Last evaluated: 2024-10-18. Review status: criteria provided, single submitter. Criteria: ACMG Guidelines, 2015. Collection method: clinical testing. Allele origin: germline. Affected: yes.
Comment: The variant is not observed in the gnomAD v4.1.0 dataset. Predicted Consequence/Location: Frameshift: predicted to result in a loss or disruption of normal protein function through nonsense-mediated decay (NMD) or protein truncation. Multiple pathogenic variants are reported downstream of the variant. The variant has been reported to be associated with EYS related disorder (ClinVar ID: VCV002675327). Therefore, this variant is classified as Pathogenic according to the recommendation of ACMG/AMP guideline.

Baylor Genetics
Classification: Likely pathogenic for Retinitis pigmentosa 25. Last evaluated: 2022-05-26. Review status: criteria provided, single submitter. Criteria: ACMG Guidelines, 2015. Collection method: clinical testing. Allele origin: unknown.